The following is an entry in ClinVar:

NM_000170.3(GLDC):c.90G>A (p.Trp30Ter)

Gene: GLDC (glycine decarboxylase; minus strand). Cytogenetic location: 9p24.1.
Variant type: single nucleotide variant.
Coding change: c.90G>A on transcript NM_000170.3 (MANE Select); coding-DNA position 90, G replaced by A.
Protein change: p.Trp30Ter; replaces tryptophan 30 with a stop codon.
Molecular consequence: nonsense.
Genome position (GRCh38, 1-based): chr9:6,645,410, C>T on the plus strand (G>A on the coding strand, the complement: GLDC is on the minus strand). VCF-style: chr9-6645410-C-T. GRCh37 (hg19) VCF-style: chr9-6645410-C-T.
Other names: short protein forms W30*.
Identifiers: ClinVar variation 2758874 (VCV002758874.3), dbSNP rs1819724486, ClinGen allele CA372887206.

ClinVar aggregate classification (germline): Pathogenic (1 of 4 stars; one submission).

Conditions:
Glycine encephalopathy. Also called: Nonketotic hyperglycinemia; Non-ketotic hyperglycinemia. Identifiers: Orphanet 407, MedGen C0751748, MONDO:0011612, HP:0008288.

gnomAD v4.1: 2 of 1,412,466 alleles (0.00014%); highest among the groups gnomAD compares: Non-Finnish European, 0.00018%; no homozygotes.

Submission:

Labcorp Genetics (formerly Invitae), Labcorp
Classification: Pathogenic for Glycine encephalopathy. Last evaluated: 2023-10-07. Review status: criteria provided, single submitter. Criteria: Invitae Variant Classification Sherloc (09022015). Collection method: clinical testing. Allele origin: germline.
Comment: This sequence change creates a premature translational stop signal (p.Trp30*) in the GLDC gene. It is expected to result in an absent or disrupted protein product. Loss-of-function variants in GLDC are known to be pathogenic (PMID: 16601880). This variant is not present in population databases (gnomAD no frequency). This variant has not been reported in the literature in individuals affected with GLDC-related conditions. For these reasons, this variant has been classified as Pathogenic.

Literature cited by the submitters: PubMed 16601880.